The following is an entry in ClinVar:

NM_000531.6(OTC):c.258dup (p.Glu87Ter)

Gene: OTC (ornithine transcarbamylase; plus strand). Cytogenetic location: Xp11.4.
Variant type: Duplication.
Coding change: c.258dup on transcript NM_000531.6 (MANE Select); coding-DNA position 258, one base duplicated (T; older notation c.258dupT).
Protein change: p.Glu87Ter; replaces glutamic acid 87 with a stop codon.
Molecular consequence: nonsense.
Genome position (GRCh38, 1-based): chrX:38,369,837, T duplicated; the last of 5 consecutive T bases (chrX:38,369,833-38,369,837); duplicating any one gives the same sequence. VCF-style (leftmost placement, unchanged base first): chrX-38369832-A-AT. GRCh37 (hg19) VCF-style: chrX-38229085-A-AT.
Other names: c.258dup, p.Glu87Ter (NM_001407092.1); short protein forms E87*.
Identifiers: ClinVar variation 2502446 (VCV002502446.1), dbSNP rs2519952390, ClinGen allele CA2573332142.

ClinVar aggregate classification (germline): Pathogenic (1 of 4 stars; one submission).

Submission:

GeneDx
Classification: Pathogenic. Last evaluated: 2022-11-21. Review status: criteria provided, single submitter. Criteria: GeneDx Variant Classification Process June 2021. Collection method: clinical testing. Allele origin: germline. Affected: yes.
Comment: Reported as c.256dupT due to use of alternate nomenclature in a patient with neonatal onset OTC deficiency (Caldovic et al., 2015); Nonsense variant predicted to result in protein truncation or nonsense mediated decay in a gene for which loss of function is a known mechanism of disease; Not observed at significant frequency in large population cohorts (gnomAD); This variant is associated with the following publications: (PMID: 26059767)